The following is an entry in ClinVar:

ClinVar aggregate classification (germline): Uncertain significance (1 of 4 stars; one submission).

Submission:

GeneDx
Classification: Uncertain significance. Last evaluated: 2023-10-09. Review status: criteria provided, single submitter. Criteria: GeneDx Variant Classification Process June 2021. Collection method: clinical testing. Allele origin: germline. Affected: yes.
Comment: Has not been previously published as pathogenic or benign to our knowledge; Not observed at significant frequency in large population cohorts (gnomAD); In silico analysis supports that this missense variant has a deleterious effect on protein structure/function

NM_014516.4(CNOT3):c.403C>T (p.Leu135Phe)

Gene: CNOT3 (CCR4-NOT transcription complex subunit 3; plus strand). Cytogenetic location: 19q13.42.
Variant type: single nucleotide variant.
Coding change: c.403C>T on transcript NM_014516.4 (MANE Select); coding-DNA position 403, C replaced by T.
Protein change: p.Leu135Phe; replaces leucine 135 with phenylalanine.
Molecular consequence: missense variant.
Genome position (GRCh38, 1-based): chr19:54,144,252, C>T. VCF-style: chr19-54144252-C-T. GRCh37 (hg19) VCF-style: chr19-54647988-C-T.
Other names: short protein forms L135F.
Identifiers: ClinVar variation 3253301 (VCV003253301.1), dbSNP rs2517381711.